The following is an entry in ClinVar:

NM_001481.3(DRC4):c.1011+2T>C

Gene: DRC4 (dynein regulatory complex subunit 4; plus strand). Cytogenetic location: 16q24.3.
Variant type: single nucleotide variant.
Coding change: c.1011+2T>C on transcript NM_001481.3 (MANE Select); the canonical splice donor site of the intron after coding-DNA position 1011, T replaced by C.
Molecular consequence: splice donor variant.
Genome position (GRCh38, 1-based): chr16:90,037,850, T>C. VCF-style: chr16-90037850-T-C. GRCh37 (hg19) VCF-style: chr16-90104258-T-C.
Other names: c.936+2T>C (NM_001286209.2); c.762+2T>C (NM_001286205.2); c.435+2T>C (NM_001286208.2).
Identifiers: ClinVar variation 1065987 (VCV001065987.7), dbSNP rs778438857, ClinGen allele CA8258056.
Genomic context (GRCh38, chr16:90,037,850, plus strand): 5'-AGAAAGAGCTGAAAGACCTGCAGTGGGAGCATGAAGTGTTAGAGCAGCGATTCACCAAGG[T>C]GAGTGGCACCACGCTGGCCCTGCAGTTGGCGGTGGGTGTTAGAGCAACGGTTCACCAAGT-3'

ClinVar aggregate classification (germline): Likely pathogenic (1 of 4 stars; one submission).

Conditions:
Primary ciliary dyskinesia 33. Also called: CILIARY DYSKINESIA, PRIMARY, 33, WITHOUT SITUS INVERSUS. Identifiers: Orphanet 244, MedGen C4225230, MONDO:0014750, OMIM 616726.

Allele frequency attached by ClinVar (database versions not stated): gnomAD exomes below 0.00001 and 0.00001; ExAC 0.00001; gnomAD 0.00001; TOPMed 0.00002.
gnomAD v4.1: 2 of 1,613,276 alleles (0.00012%); highest among the groups gnomAD compares: African/African-American, 0.0027%; no homozygotes.

Submission:

Labcorp Genetics (formerly Invitae), Labcorp
Classification: Likely pathogenic for Primary ciliary dyskinesia 33. Last evaluated: 2022-08-15. Review status: criteria provided, single submitter. Criteria: Invitae Variant Classification Sherloc (09022015). Collection method: clinical testing. Allele origin: germline.
Comment: In summary, the currently available evidence indicates that the variant is pathogenic, but additional data are needed to prove that conclusively. Therefore, this variant has been classified as Likely Pathogenic. Algorithms developed to predict the effect of sequence changes on RNA splicing suggest that this variant may disrupt the consensus splice site. ClinVar contains an entry for this variant (Variation ID: 1065987). This variant has not been reported in the literature in individuals affected with GAS8-related conditions. This variant is present in population databases (rs778438857, gnomAD 0.01%). This sequence change affects a donor splice site in intron 8 of the GAS8 gene. It is expected to disrupt RNA splicing. Variants that disrupt the donor or acceptor splice site typically lead to a loss of protein function (PMID: 16199547), and loss-of-function variants in GAS8 are known to be pathogenic (PMID: 26387594).

Literature cited by the submitters: PubMed 16199547; PubMed 26387594.